The following is an entry in ClinVar:

NM_031955.6(SPATA16):c.1526C>T (p.Ala509Val)

Gene: SPATA16 (spermatogenesis associated 16; minus strand). Cytogenetic location: 3q26.31.
Variant type: single nucleotide variant.
Coding change: c.1526C>T on transcript NM_031955.6 (MANE Select); coding-DNA position 1526, C replaced by T.
Protein change: p.Ala509Val; replaces alanine 509 with valine.
Molecular consequence: missense variant.
Genome position (GRCh38, 1-based): chr3:172,913,722, G>A on the plus strand (C>T on the coding strand, the complement: SPATA16 is on the minus strand). VCF-style: chr3-172913722-G-A. GRCh37 (hg19) VCF-style: chr3-172631512-G-A.
Other names: short protein forms A509V.
Identifiers: ClinVar variation 344204 (VCV000344204.6), dbSNP rs115095786, ClinGen allele CA2708037.

ClinVar aggregate classification (germline): Likely benign. Review status: criteria provided, multiple submitters, no conflicts (2 of 4 stars). 2 submissions from 2 submitters: Likely benign (2). Last evaluated 2018-01-13.

Conditions:
Spermatogenic failure 6 (SPGF6). Also called: ROUND-HEADED SPERMATOZOA; ACROSOME MALFORMATION OF SPERMATOZOA. Identifiers: Orphanet 171709, MedGen C4225503, MONDO:0007060, OMIM 102530.

Allele frequency attached by ClinVar (database versions not stated): 1000 Genomes Project 30x 0.00937; 1000 Genomes Project 0.00938; TOPMed 0.01787; ESP Exome Variant Server 0.01807; gnomAD 0.01875 and 0.01910; gnomAD exomes 0.01903 and 0.02174; ExAC 0.02006.
gnomAD v4.1: 34,596 of 1,613,078 alleles (2.1%); highest among the groups gnomAD compares: Middle Eastern, 4.7%; 455 homozygotes.

Submissions (2):

Illumina Laboratory Services, Illumina
Classification: Likely benign for Spermatogenic failure 6. Last evaluated: 2018-01-13. Review status: criteria provided, single submitter. Criteria: ICSL Variant Classification Criteria 13 December 2019. Collection method: clinical testing. Allele origin: germline.
Comment: This variant was observed in the ICSL laboratory as part of a predisposition screen in an ostensibly healthy population. It had not been previously curated by ICSL or reported in the Human Gene Mutation Database (HGMD: prior to June 1st, 2018), and was therefore a candidate for classification through an automated scoring system. Utilizing variant allele frequency, disease prevalence and penetrance estimates, and inheritance mode, an automated score was calculated to assess if this variant is too frequent to cause the disease. Based on the score and internal cut-off values, a variant classified as likely benign is not then subjected to further curation. The score for this variant resulted in a classification of likely benign for this disease.

Breakthrough Genomics
Classification: Likely benign. Review status: criteria provided, single submitter. Criteria: ACMG Guidelines, 2015. Collection method: not provided. Allele origin: germline. Inheritance: Autosomal recessive inheritance. Affected: yes.